The following is an entry in ClinVar:

ClinVar aggregate classification (germline): Uncertain significance (1 of 4 stars; one submission).

Allele frequency attached by ClinVar (database versions not stated): gnomAD exomes below 0.00001; TOPMed below 0.00001; gnomAD 0.00001.
gnomAD v4.1: 4 of 1,613,896 alleles (0.00025%); highest among the groups gnomAD compares: African/African-American, 0.004%; no homozygotes.

Submission:

Labcorp Genetics (formerly Invitae), Labcorp
Classification: Uncertain significance. Last evaluated: 2022-08-31. Review status: criteria provided, single submitter. Criteria: Invitae Variant Classification Sherloc (09022015). Collection method: clinical testing. Allele origin: germline.
Comment: This sequence change replaces proline, which is neutral and non-polar, with serine, which is neutral and polar, at codon 470 of the LAMA1 protein (p.Pro470Ser). This variant is present in population databases (no rsID available, gnomAD 0.02%). This variant has not been reported in the literature in individuals affected with LAMA1-related conditions. Algorithms developed to predict the effect of missense changes on protein structure and function output the following: SIFT: "Tolerated"; PolyPhen-2: "Benign"; Align-GVGD: "Class C0". The serine amino acid residue is found in multiple mammalian species, which suggests that this missense change does not adversely affect protein function. In summary, the available evidence is currently insufficient to determine the role of this variant in disease. Therefore, it has been classified as a Variant of Uncertain Significance.

NM_005559.4(LAMA1):c.1408C>T (p.Pro470Ser)

Gene: LAMA1 (laminin subunit alpha 1; minus strand). Cytogenetic location: 18p11.31.
Variant type: single nucleotide variant.
Coding change: c.1408C>T on transcript NM_005559.4 (MANE Select); coding-DNA position 1408, C replaced by T.
Protein change: p.Pro470Ser; replaces proline 470 with serine.
Molecular consequence: missense variant.
Genome position (GRCh38, 1-based): chr18:7,040,090, G>A on the plus strand (C>T on the coding strand, the complement: LAMA1 is on the minus strand). VCF-style: chr18-7040090-G-A. GRCh37 (hg19) VCF-style: chr18-7040089-G-A.
Other names: short protein forms P470S.
Identifiers: ClinVar variation 1938903 (VCV001938903.2), dbSNP rs1399742809, ClinGen allele CA401834600.